The following is an entry in ClinVar:

NM_014363.6(SACS):c.12976A>G (p.Lys4326Glu)

Gene: SACS (sacsin molecular chaperone; minus strand). Cytogenetic location: 13q12.12.
Variant type: single nucleotide variant.
Coding change: c.12976A>G on transcript NM_014363.6 (MANE Select); coding-DNA position 12976, A replaced by G.
Protein change: p.Lys4326Glu; replaces lysine 4326 with glutamic acid.
Molecular consequence: missense variant.
Genome position (GRCh38, 1-based): chr13:23,330,900, T>C on the plus strand (A>G on the coding strand, the complement: SACS is on the minus strand). VCF-style: chr13-23330900-T-C. GRCh37 (hg19) VCF-style: chr13-23905039-T-C.
Other names: c.12535A>G, p.Lys4179Glu (NM_001278055.2); c.13003A>G, p.Lys4335Glu (NM_001437336.1); short protein forms K4179E, K4326E, K4335E.
Identifiers: ClinVar variation 4535897 (VCV004535897.1).
Genomic context (GRCh38, chr13:23,330,900, plus strand): 5'-CATGGTTCTCTGGATTTTTGTCAGGATGCCATTTCAAATACAACCGCCTAATAATCTTTT[T>C]TCGTTCCGATTCTGGAAGCTTCCATGCTTGCTCCACCACAGATGTCACTTCTTTTAAGAT-3'
Protein context (NP_055178.3, residues 4316-4336): QAWKLPESER[Lys4326Glu]KIIRRLYLKW

ClinVar aggregate classification (germline): Likely pathogenic (1 of 4 stars; one submission).

Conditions:
Charlevoix-Saguenay spastic ataxia (SACS). Also called: AUTOSOMAL RECESSIVE SPASTIC ATAXIA OF CHARLEVOIX-SAGUENAY; Spastic ataxia of Charlevoix-Saguenay; SPASTIC ATAXIA 6, AUTOSOMAL RECESSIVE. Identifiers: Orphanet 98, MedGen C1849140, MONDO:0010041, OMIM 270550.

Submission:

Women's Health and Genetics/Laboratory Corporation of America, LabCorp
Classification: Likely pathogenic for Charlevoix-Saguenay spastic ataxia. Last evaluated: 2025-09-02. Review status: criteria provided, single submitter. Criteria: LabCorp Variant Classification Summary - May 2015. Collection method: clinical testing. Allele origin: germline.
Comment: Variant summary: SACS c.12976A>G (p.Lys4326Glu) results in a conservative amino acid change in the encoded protein sequence. Algorithms developed to predict the effect of missense changes on protein structure and function are either unavailable or do not agree on the potential impact of this missense change. The variant was absent in 249946 control chromosomes (gnomAD). c.12976A>G has been observed in individuals affected with Autosomal Recessive Spastic Ataxia Of Charlevoix-Saguenay (Charlevoix-Saguenay, Jiao_2020, Aida_2021, Wang_2023). These data indicate that the variant is likely to be associated with disease. To our knowledge, no experimental evidence demonstrating an impact on protein function has been reported. The following publications have been ascertained in the context of this evaluation (PMID: 32961396, 34121011, 37365282). No submitters have cited clinical-significance assessments for this variant to ClinVar. Based on the evidence outlined above, the variant was classified as likely pathogenic.

Literature cited by the submitters: PubMed 32961396; PubMed 34121011; PubMed 37365282.